The following is an entry in ClinVar:

ClinVar aggregate classification (germline): Pathogenic (1 of 4 stars; one submission).

Conditions:
Hereditary diffuse gastric adenocarcinoma (HDGC). Also called: DIFFUSE GASTRIC AND LOBULAR BREAST CANCER SYNDROME. Identifiers: Orphanet 26106, MedGen C1708349, MONDO:0007648, OMIM 137215.

Submission:

Myriad Genetics, Inc.
Classification: Pathogenic for Hereditary diffuse gastric adenocarcinoma. Last evaluated: 2025-01-22. Review status: criteria provided, single submitter. Criteria: Myriad Autosomal Dominant, Autosomal Recessive and X-Linked Classification Criteria (2023). Collection method: clinical testing. Allele origin: unknown.
Comment: This variant is considered pathogenic. This variant creates a termination codon and is predicted to result in premature protein truncation.

NM_001903.5(CTNNA1):c.1240A>T (p.Lys414Ter)

Gene: CTNNA1 (catenin alpha 1; plus strand). Cytogenetic location: 5q31.2.
Variant type: single nucleotide variant.
Coding change: c.1240A>T on transcript NM_001903.5 (MANE Select); coding-DNA position 1240, A replaced by T.
Protein change: p.Lys414Ter; replaces lysine 414 with a stop codon.
Molecular consequence: nonsense. On other transcripts: 5 prime UTR variant (5), intron variant (2).
Genome position (GRCh38, 1-based): chr5:138,887,586, A>T. VCF-style: chr5-138887586-A-T. GRCh37 (hg19) VCF-style: chr5-138223275-A-T.
Other names: c.1240A>T, p.Lys414Ter (NM_001290307.3, NM_001323982.2, NM_001323983.1 and 3 more transcripts); c.931A>T, p.Lys311Ter (NM_001290309.3); c.871A>T, p.Lys291Ter (NM_001290310.3); c.130A>T, p.Lys44Ter (NM_001290312.1, NM_001323987.1, NM_001323988.1 and 18 more transcripts); c.-268A>T (NM_001324006.1, NM_001324007.1, NM_001324008.1 and 1 more transcripts); c.-143A>T (NM_001324013.1); c.-58+11989A>T (NM_001324012.1); c.-61+11989A>T (NM_001324010.1); short protein forms K291*, K311*, K414*, K44*.
Identifiers: ClinVar variation 3904704 (VCV003904704.1).
Genomic context (GRCh38, chr5:138,887,586, plus strand): 5'-TTCCTGGAAACCAATGTTCCACTTTTGGTATTGATTGAAGCTGCAAAGAATGGAAATGAG[A>T]AAGAAGTTAAGGAGTATGCCCAAGTTTTCCGTGAACATGCCAACAAATTGATTGAGGTAA-3'